The following is an entry in ClinVar:

ClinVar aggregate classification (germline): Benign. Review status: criteria provided, multiple submitters, no conflicts (2 of 4 stars). 5 submissions from 4 submitters: Benign (5). Last evaluated 2026-01-08.

Conditions:
Holoprosencephaly sequence (HPE). Also called: Holoprosencephaly. Identifiers: Orphanet 2162, MedGen C0079541, MONDO:0016296, HP:0001360.
Heterotaxy, visceral, 5, autosomal (HTX5). Also called: Heterotaxy, visceral, 5. Identifiers: Orphanet 450, MedGen C3495537, MONDO:0700112, OMIM 270100.

Allele frequency attached by ClinVar (database versions not stated): 1000 Genomes Project 30x 0.00484; 1000 Genomes Project 0.00519; ESP Exome Variant Server 0.00031; gnomAD 0.00124; TOPMed 0.00250.
gnomAD v4.1: 2,171 of 1,614,168 alleles (0.13%); highest among the groups gnomAD compares: East Asian, 3.6%; 42 homozygotes.

Submissions (5):

Labcorp Genetics (formerly Invitae), Labcorp
Classification: Benign for Heterotaxy, visceral, 5, autosomal. Last evaluated: 2026-01-08. Review status: criteria provided, single submitter. Criteria: Invitae Variant Classification Sherloc (09022015). Collection method: clinical testing. Allele origin: germline.

GeneDx
Classification: Benign. Last evaluated: 2019-12-23. Review status: criteria provided, single submitter. Criteria: GeneDx Variant Classification Process June 2021. Collection method: clinical testing. Allele origin: germline. Affected: yes.

Illumina Laboratory Services, Illumina
Classification: Benign for Holoprosencephaly sequence. Last evaluated: 2018-01-13. Review status: criteria provided, single submitter. Criteria: ICSL Variant Classification Criteria 13 December 2019. Collection method: clinical testing. Allele origin: germline.
Comment: This variant was observed in the ICSL laboratory as part of a predisposition screen in an ostensibly healthy population. It had not been previously curated by ICSL or reported in the Human Gene Mutation Database (HGMD: prior to June 1st, 2018), and was therefore a candidate for classification through an automated scoring system. Utilizing variant allele frequency, disease prevalence and penetrance estimates, and inheritance mode, an automated score was calculated to assess if this variant is too frequent to cause the disease. Based on the score and internal cut-off values, a variant classified as benign is not then subjected to further curation. The score for this variant resulted in a classification of benign for this disease.

Illumina Laboratory Services, Illumina
Classification: Benign for Heterotaxy, visceral, 5, autosomal. Last evaluated: 2018-01-13. Review status: criteria provided, single submitter. Criteria: ICSL Variant Classification Criteria 13 December 2019. Collection method: clinical testing. Allele origin: germline.
Comment: the same text as in the submission from Illumina Laboratory Services, Illumina above.

Breakthrough Genomics
Classification: Benign. Review status: criteria provided, single submitter. Criteria: ACMG Guidelines, 2015. Collection method: not provided. Allele origin: germline. Inheritance: Autosomal dominant inheritance. Affected: yes.

NM_018055.5(NODAL):c.216C>T (p.Asn72=)

Gene: NODAL (nodal growth differentiation factor; minus strand). Cytogenetic location: 10q22.1.
Variant type: single nucleotide variant.
Coding change: c.216C>T on transcript NM_018055.5 (MANE Select); coding-DNA position 216, C replaced by T.
Protein change: p.Asn72=; no amino-acid change (asparagine 72 retained).
Molecular consequence: synonymous variant. On other transcripts: 5 prime UTR variant (1).
Genome position (GRCh38, 1-based): chr10:70,435,961, G>A on the plus strand (C>T on the coding strand, the complement: NODAL is on the minus strand). VCF-style: chr10-70435961-G-A. GRCh37 (hg19) VCF-style: chr10-72195717-G-A.
Other names: c.-184C>T (NM_001329906.2).
Identifiers: ClinVar variation 300310 (VCV000300310.19), dbSNP rs138195571, ClinGen allele CA5537637.